The following is an entry in ClinVar:

ClinVar aggregate classification (germline): Uncertain significance (1 of 4 stars; one submission).

Conditions:
Hereditary cancer-predisposing syndrome. Also called: Neoplastic Syndromes, Hereditary; Tumor predisposition; Hereditary Cancer Syndrome; Hereditary neoplastic syndrome. Identifiers: Orphanet 140162, MedGen C0027672, MeSH D009386, MONDO:0015356.

Submission:

Color Diagnostics, LLC DBA Color Health
Classification: Uncertain significance for Hereditary cancer-predisposing syndrome. Last evaluated: 2019-10-03. Review status: criteria provided, single submitter. Criteria: ACMG Guidelines, 2015. Collection method: clinical testing. Allele origin: germline.
Comment: This missense variant replaces proline with arginine at codon 2170 of the APC protein. Computational prediction tool is inconclusive regarding the impact of this variant on protein structure and function (internally defined REVEL score threshold 0.5 < inconclusive < 0.7, PMID: 27666373). Splice site prediction tools suggest that this variant may not impact RNA splicing. To our knowledge, functional studies have not been performed for this variant. This variant has not been reported in individuals affected with hereditary cancer in the literature. This variant has not been identified in the general population by the Genome Aggregation Database (gnomAD). The available evidence is insufficient to determine the role of this variant in disease conclusively. Therefore, this variant is classified as a Variant of Uncertain Significance.

NM_000038.6(APC):c.6509C>G (p.Pro2170Arg)

Gene: APC (APC regulator of Wnt signaling pathway; plus strand). Cytogenetic location: 5q22.2.
Variant type: single nucleotide variant.
Coding change: c.6509C>G on transcript NM_000038.6 (MANE Select); coding-DNA position 6509, C replaced by G.
Protein change: p.Pro2170Arg; replaces proline 2170 with arginine.
Molecular consequence: missense variant.
Genome position (GRCh38, 1-based): chr5:112,842,103, C>G. VCF-style: chr5-112842103-C-G. GRCh37 (hg19) VCF-style: chr5-112177800-C-G.
Other names: c.6509C>G, p.Pro2170Arg (NM_001127510.3, NM_001354895.2); c.6455C>G, p.Pro2152Arg (NM_001127511.3); c.6563C>G, p.Pro2188Arg (NM_001354896.2); c.6539C>G, p.Pro2180Arg (NM_001354897.2); c.6434C>G, p.Pro2145Arg (NM_001354898.2); c.6425C>G, p.Pro2142Arg (NM_001354899.2); c.6386C>G, p.Pro2129Arg (NM_001354900.2); c.6332C>G, p.Pro2111Arg (NM_001354901.2); and 5 more; short protein forms P2069R, P2079R, P2142R, P2145R, P1887R, P2111R, P2129R, P2180R.
Identifiers: ClinVar variation 922093 (VCV000922093.3), dbSNP rs755786285, ClinGen allele CA16035573.